The following is an entry in ClinVar:

NM_006648.4(WNK2):c.470G>A (p.Gly157Glu)

Gene: WNK2 (WNK lysine deficient protein kinase 2; plus strand). Cytogenetic location: 9q22.31.
Variant type: single nucleotide variant.
Coding change: c.470G>A on transcript NM_006648.4 (MANE Select); coding-DNA position 470, G replaced by A.
Protein change: p.Gly157Glu; replaces glycine 157 with glutamic acid.
Molecular consequence: missense variant.
Genome position (GRCh38, 1-based): chr9:93,185,399, G>A. VCF-style: chr9-93185399-G-A. GRCh37 (hg19) VCF-style: chr9-95947681-G-A.
Other names: c.470G>A, p.Gly157Glu (NM_001282394.3); short protein forms G157E.
Identifiers: ClinVar variation 5031829 (VCV005031829.1).

ClinVar aggregate classification (germline): Uncertain significance (1 of 4 stars; one submission).

Submission:

Ambry Genetics
Classification: Uncertain significance. Last evaluated: 2026-07-05. Review status: criteria provided, single submitter. Criteria: Ambry Variant Classification Scheme 2023. Collection method: clinical testing. Allele origin: germline.
Comment: The p.G157E variant (also known as c.470G>A), located in coding exon 1 of the WNK2 gene, results from a G to A substitution at nucleotide position 470. The glycine at codon 157 is replaced by glutamic acid, an amino acid with similar properties. This amino acid position is conserved. In addition, this alteration is predicted to be tolerated by in silico analysis. Based on the available evidence, the clinical significance of this variant remains unclear.